The following is an entry in ClinVar:

ClinVar aggregate classification (germline): Uncertain significance (1 of 4 stars; one submission).

Conditions:
Familial hemophagocytic lymphohistiocytosis 4 (FHL4). Also called: STX11-Related Familial Hemophagocytic Lymphohistiocytosis (STX11-fHLH). Identifiers: Orphanet 540, MedGen C1863728, MONDO:0011336, OMIM 603552.

gnomAD v4.1: 1 of 1,608,926 alleles (0.000062%); highest among the groups gnomAD compares: Non-Finnish European, 0.000085%; no homozygotes.

Submission:

Labcorp Genetics (formerly Invitae), Labcorp
Classification: Uncertain significance for Familial hemophagocytic lymphohistiocytosis 4. Last evaluated: 2022-05-15. Review status: criteria provided, single submitter. Criteria: Invitae Variant Classification Sherloc (09022015). Collection method: clinical testing. Allele origin: germline.
Comment: This sequence change replaces glutamic acid, which is acidic and polar, with glutamine, which is neutral and polar, at codon 112 of the STX11 protein (p.Glu112Gln). This variant is not present in population databases (gnomAD no frequency). This variant has not been reported in the literature in individuals affected with STX11-related conditions. Algorithms developed to predict the effect of missense changes on protein structure and function output the following: SIFT: "Tolerated"; PolyPhen-2: "Benign"; Align-GVGD: "Class C0". The glutamine amino acid residue is found in multiple mammalian species, which suggests that this missense change does not adversely affect protein function. In summary, the available evidence is currently insufficient to determine the role of this variant in disease. Therefore, it has been classified as a Variant of Uncertain Significance.

NM_003764.4(STX11):c.334G>C (p.Glu112Gln)

Gene: STX11 (syntaxin 11; plus strand). Cytogenetic location: 6q24.2.
Variant type: single nucleotide variant.
Coding change: c.334G>C on transcript NM_003764.4 (MANE Select); coding-DNA position 334, G replaced by C.
Protein change: p.Glu112Gln; replaces glutamic acid 112 with glutamine.
Molecular consequence: missense variant.
Genome position (GRCh38, 1-based): chr6:144,186,961, G>C. VCF-style: chr6-144186961-G-C. GRCh37 (hg19) VCF-style: chr6-144508098-G-C.
Other names: short protein forms E112Q.
Identifiers: ClinVar variation 1994689 (VCV001994689.1), dbSNP rs902066692, ClinGen allele CA365949025.